The following is an entry in ClinVar:

ClinVar aggregate classification (germline): Uncertain significance (1 of 4 stars; one submission).

Conditions:
Hereditary cancer-predisposing syndrome. Also called: Hereditary neoplastic syndrome; Neoplastic Syndromes, Hereditary; Tumor predisposition; Hereditary Cancer Syndrome. Identifiers: Orphanet 140162, MedGen C0027672, MeSH D009386, MONDO:0015356.

Submission:

Ambry Genetics
Classification: Uncertain significance for Hereditary cancer-predisposing syndrome. Last evaluated: 2019-11-20. Review status: criteria provided, single submitter. Criteria: Ambry Variant Classification Scheme 2023. Collection method: clinical testing. Allele origin: germline.
Comment: The p.S2017R variant (also known as c.6051T>A), located in coding exon 40 of the ATM gene, results from a T to A substitution at nucleotide position 6051. The serine at codon 2017 is replaced by arginine, an amino acid with dissimilar properties. This amino acid position is highly conserved in available vertebrate species. In addition, the in silico prediction for this alteration is inconclusive. Since supporting evidence is limited at this time, the clinical significance of this alteration remains unclear.

NM_000051.4(ATM):c.6051T>A (p.Ser2017Arg)

Genes: ATM (ATM serine/threonine kinase; plus strand), C11orf65 (chromosome 11 open reading frame 65; minus strand). Cytogenetic location: 11q22.3.
Variant type: single nucleotide variant.
Coding change: c.6051T>A on transcript NM_000051.4 (MANE Select); coding-DNA position 6051, T replaced by A.
Protein change: p.Ser2017Arg; replaces serine 2017 with arginine.
Molecular consequence: missense variant. On other transcripts: intron variant (2).
Genome position (GRCh38, 1-based): chr11:108,315,867, T>A. VCF-style: chr11-108315867-T-A. GRCh37 (hg19) VCF-style: chr11-108186594-T-A.
Other names: c.6051T>A, p.Ser2017Arg (NM_001351834.2); c.641-6796A>T (NM_001330368.2); c.*39-6796A>T (NM_001351110.2); short protein forms S2017R.
Identifiers: ClinVar variation 1751284 (VCV001751284.2), dbSNP rs2084589926, ClinGen allele CA382549986.
Genomic context (GRCh38, chr11:108,315,867, plus strand): 5'-GTTTCCATGTTTTCAGGATCTTCTCTTAGAAATCTACAGAAGTATAGGGGAGCCAGATAG[T>A]TTGTATGGCTGTGGTGGAGGGAAGATGTTACAACCCATTACTAGGTAAATTGCATTTTTC-3'
Protein context (NP_000042.3, residues 2007-2027): EIYRSIGEPD[Ser2017Arg]LYGCGGGKML